The following is an entry in ClinVar:

ClinVar aggregate classification (germline): Likely benign (1 of 4 stars; one submission).

Conditions:
NTRK2-related disorder. Also called: NTRK2-related condition.

Submission:

PreventionGenetics, part of Exact Sciences
Classification: Likely benign for NTRK2-related condition. Last evaluated: 2026-06-27. Review status: criteria provided, single submitter. Criteria: ACMG Guidelines, 2015. Collection method: clinical testing. Allele origin: germline.
Comment: This variant is classified as likely benign based on ACMG/AMP sequence variant interpretation guidelines (Richards et al. 2015 PMID: 25741868, with internal and published modifications).

NM_006180.6(NTRK2):c.1818G>A (p.Glu606=)

Gene: NTRK2 (neurotrophic receptor tyrosine kinase 2; plus strand). Cytogenetic location: 9q21.33.
Variant type: single nucleotide variant.
Coding change: c.1818G>A on transcript NM_006180.6 (MANE Select); coding-DNA position 1818, G replaced by A.
Protein change: p.Glu606=; no amino-acid change (glutamic acid 606 retained).
Molecular consequence: synonymous variant.
Genome position (GRCh38, 1-based): chr9:84,948,515, G>A. VCF-style: chr9-84948515-G-A. GRCh37 (hg19) VCF-style: chr9-87563430-G-A.
Other names: c.1770G>A, p.Glu590= (NM_001018064.3, NM_001369532.1, NM_001369533.1); c.1734G>A, p.Glu578= (NM_001369534.1); c.1302G>A, p.Glu434= (NM_001369535.1); c.1350G>A, p.Glu450= (NM_001369536.1).
Identifiers: ClinVar variation 4991033 (VCV004991033.1).